The following is an entry in ClinVar:

NM_014251.3(SLC25A13):c.103A>G (p.Met35Val)

Gene: SLC25A13 (solute carrier family 25 member 13; minus strand). Cytogenetic location: 7q21.3.
Variant type: single nucleotide variant.
Coding change: c.103A>G on transcript NM_014251.3 (MANE Select); coding-DNA position 103, A replaced by G.
Protein change: p.Met35Val; replaces methionine 35 with valine.
Molecular consequence: missense variant. On other transcripts: non-coding transcript variant (1).
Genome position (GRCh38, 1-based): chr7:96,277,305, T>C on the plus strand (A>G on the coding strand, the complement: SLC25A13 is on the minus strand). VCF-style: chr7-96277305-T-C. GRCh37 (hg19) VCF-style: chr7-95906617-T-C.
Other names: c.103A>G, p.Met35Val (NM_001160210.2); short protein forms M35V.
Identifiers: ClinVar variation 2577098 (VCV002577098.4), dbSNP rs534452813, ClinGen allele CA163519725.

ClinVar aggregate classification (germline): Conflicting classifications of pathogenicity. Review status: criteria provided, conflicting classifications (1 of 4 stars). 6 submissions from 6 submitters: Likely pathogenic (5); Uncertain significance (1). Last evaluated 2025-10-01.

Conditions:
Neonatal intrahepatic cholestasis due to citrin deficiency (CDNI). Also called: Neonatal-onset citrullinemia type II; Neonatal-onset citrullinemia type 2; Neonatal Intrahepatic Cholestasis Caused by Citrin Deficiency (NICCD); CITRIN DEFICIENCY, NEONATAL OR INFANTILE ONSET. Identifiers: Orphanet 247598, MedGen C1853942, MONDO:0011601, OMIM 605814.
Citrullinemia type II. Also called: Citrullinemia Type II (CTLN2). Identifiers: Orphanet 247585, MedGen C1863844, MONDO:0016603.
Citrin deficiency. Identifiers: Orphanet 247582, MedGen C1997910, MONDO:0016602.
Citrullinemia. Identifiers: Orphanet 187, MedGen C0175683, MONDO:0015991.
Citrullinemia, type II, adult-onset (CDAA). Also called: CITRIN DEFICIENCY, ADOLESCENT OR ADULT ONSET. Identifiers: Orphanet 247585, MedGen CN295299, MONDO:0011326, OMIM 603471.

Submissions (6):

Labcorp Genetics (formerly Invitae), Labcorp
Classification: Uncertain significance for Citrin deficiency. Last evaluated: 2025-10-01. Review status: criteria provided, single submitter. Criteria: Invitae Variant Classification Sherloc (09022015). Collection method: clinical testing. Allele origin: germline.
Comment: This sequence change replaces methionine, which is neutral and non-polar, with valine, which is neutral and non-polar, at codon 35 of the SLC25A13 protein (p.Met35Val). This variant is not present in population databases (gnomAD no frequency). This missense change has been observed in individual(s) with citrin deficiency (PMID: 27405544; internal data). ClinVar contains an entry for this variant (Variation ID: 2577098). Invitae Evidence Modeling of protein sequence and biophysical properties (such as structural, functional, and spatial information, amino acid conservation, physicochemical variation, residue mobility, and thermodynamic stability) indicates that this missense variant is expected to disrupt SLC25A13 protein function with a positive predictive value of 80%. Experimental studies have shown that this missense change affects SLC25A13 function (PMID: 27405544). In summary, the available evidence is currently insufficient to determine the role of this variant in disease. Therefore, it has been classified as a Variant of Uncertain Significance.

Genesolutions, Medical Genetics Institutes, Ho Chi Minh City, Vietnam
Classification: Likely pathogenic for Neonatal intrahepatic cholestasis due to citrin deficiency. Last evaluated: 2025-09-24. Review status: criteria provided, single submitter. Criteria: ACMG Guidelines, 2015. Collection method: clinical testing. Allele origin: germline. Affected: yes.

First Genomix Gene Laboratory, Genetic Diagnostics Department
Classification: Likely pathogenic for Citrullinemia, type II, adult-onset; Neonatal intrahepatic cholestasis due to citrin deficiency. Last evaluated: 2025-03-24. Review status: criteria provided, single submitter. Criteria: ACMG Guidelines, 2015. Collection method: clinical testing. Allele origin: germline. Inheritance: Autosomal recessive inheritance. Affected: no. Observed: 1 variant allele.

Natera, Inc.
Classification: Likely pathogenic for Citrullinemia. Last evaluated: 2024-08-20. Review status: criteria provided, single submitter. Criteria: Natera Variant Classification Schema (03/2026). Collection method: clinical testing. Allele origin: germline.
Comment: The c.103A>G variant in SLC25A13 is a missense variant predicted to cause substitution of methionine to valine at amino acid 35. This variant is rare in the general population with a frequency below the threshold expected for the associated phenotype(s). This variant has been observed in one or more individuals affected with the associated recessive disease, as either homozygous or compound heterozygous with a second variant (PMID: 27405544). This variant has been identified in one or more affected individuals with a phenotype highly consistent with the associated gene (PMID: 27405544). Computational prediction algorithms indicate this variant is likely to affect gene or protein function. Given the available evidence, this variant is classified as Likely Pathogenic.

Fulgent Genetics
Classification: Likely pathogenic for Citrullinemia, type II, adult-onset; Neonatal intrahepatic cholestasis due to citrin deficiency. Last evaluated: 2024-04-02. Review status: criteria provided, single submitter. Criteria: ACMG Guidelines, 2015. Collection method: clinical testing. Allele origin: germline.

Women's Health and Genetics/Laboratory Corporation of America, LabCorp
Classification: Likely pathogenic for Citrullinemia type II. Last evaluated: 2023-07-27. Review status: criteria provided, single submitter. Criteria: LabCorp Variant Classification Summary - May 2015. Collection method: clinical testing. Allele origin: germline.
Comment: Variant summary: SLC25A13 c.103A>G (p.Met35Val) results in a conservative amino acid change in the encoded protein sequence. Four of five in-silico tools predict a damaging effect of the variant on protein function. The variant was absent in 250196 control chromosomes. c.103A>G has been reported in the literature in at least one compound heterozygous individual affected with Neonatal intrahepatic cholestasis caused by citrin deficiency (e.g. Lin_2016). These data indicate the variant may be associated with disease. At least one publication reports experimental evidence evaluating an impact on protein function and showed that this variant results in near-complete loss of growth ability in vitro in a yeast cell line carrying the variant (e.g. Lin_2016). The following publication has been ascertained in the context of this evaluation (PMID: 27405544). No submitters have cited clinical-significance assessments for this variant to ClinVar after 2014. Based on the evidence outlined above, the variant was classified as likely pathogenic.

Literature cited by the submitters: PubMed 27405544 (cited by 3 submitters).